The following is an entry in ClinVar:

NM_022124.6(CDH23):c.3295C>T (p.Arg1099Trp)

Genes: C10orf105 (chromosome 10 open reading frame 105; minus strand), CDH23 (cadherin related 23; plus strand). Cytogenetic location: 10q22.1.
Variant type: single nucleotide variant.
Coding change: c.3295C>T on transcript NM_022124.6 (MANE Select); coding-DNA position 3295, C replaced by T.
Protein change: p.Arg1099Trp; replaces arginine 1099 with tryptophan.
Molecular consequence: missense variant. On other transcripts: 3 prime UTR variant (2).
Genome position (GRCh38, 1-based): chr10:71,712,739, C>T. VCF-style: chr10-71712739-C-T. GRCh37 (hg19) VCF-style: chr10-73472496-C-T.
Other names: c.*3197G>A (NM_001164375.3, NM_001168390.2); c.3295C>T, p.Arg1099Trp (NM_001171930.2); short protein forms R1099W.
Identifiers: ClinVar variation 1445882 (VCV001445882.5), dbSNP rs760800475, ClinGen allele CA5544549.

ClinVar aggregate classification (germline): Uncertain significance (1 of 4 stars; one submission).

Allele frequency attached by ClinVar (database versions not stated): gnomAD exomes 0.00001 and 0.00004; TOPMed 0.00001; ExAC 0.00002.
gnomAD v4.1: 55 of 1,613,670 alleles (0.0034%); highest among the groups gnomAD compares: South Asian, 0.0077%; no homozygotes.

Submission:

Labcorp Genetics (formerly Invitae), Labcorp
Classification: Uncertain significance. Last evaluated: 2024-01-19. Review status: criteria provided, single submitter. Criteria: Invitae Variant Classification Sherloc (09022015). Collection method: clinical testing. Allele origin: germline.
Comment: This sequence change replaces arginine, which is basic and polar, with tryptophan, which is neutral and slightly polar, at codon 1099 of the CDH23 protein (p.Arg1099Trp). This variant is present in population databases (rs760800475, gnomAD 0.007%). This variant has not been reported in the literature in individuals affected with CDH23-related conditions. ClinVar contains an entry for this variant (Variation ID: 1445882). Advanced modeling of protein sequence and biophysical properties (such as structural, functional, and spatial information, amino acid conservation, physicochemical variation, residue mobility, and thermodynamic stability) performed at Invitae indicates that this missense variant is not expected to disrupt CDH23 protein function with a negative predictive value of 95%. In summary, the available evidence is currently insufficient to determine the role of this variant in disease. Therefore, it has been classified as a Variant of Uncertain Significance.